The following is an entry in ClinVar:

ClinVar aggregate classification (germline): Likely pathogenic. Review status: criteria provided, single submitter (1 of 4 stars). 2 submissions from 2 submitters: Likely pathogenic (1). 1 of the submissions does not count toward it. Last evaluated 2022-08-12.

Conditions:
G6PD SANTAMARIA.
Anemia, nonspherocytic hemolytic, due to G6PD deficiency (CNSHA1). Also called: Hemolytic anemia due to G6PD deficiency; Favism, susceptibility to; Class I glucose-6-phosphate dehydrogenase deficiency; ANEMIA, CONGENITAL, NONSPHEROCYTIC HEMOLYTIC, 1. Identifiers: Orphanet 466026, MedGen C2720289, MONDO:0010480, OMIM 300908.

Submissions (2):

Dunham Lab, University of Washington
Classification: Likely pathogenic for Anemia, nonspherocytic hemolytic, due to G6PD deficiency. Last evaluated: 2022-08-12. Review status: criteria provided, single submitter. Criteria: Bayesian ACMG Guidelines, 2018. Collection method: curation. Allele origin: unknown. Affected: yes.
Comment: Variant found in unrelated hemizygotes with G6PD deficiency, some with anemia, favism, and jaundice (PS4_M, PP4). Decreased activity in red blood cells of hemizygotes (2-40%) (PS3). 542A>T is below expected carrier frequency in gnomAD (PM2). Post_P 0.988 (odds of pathogenicity 729.3, Prior_P 0.1).

OMIM
Classification: other for G6PD SANTAMARIA. Last evaluated: 2017-05-24. Review status: no assertion criteria provided. Collection method: literature only. Allele origin: germline. Not counted in ClinVar's aggregate classification.

Literature cited by the submitters: PubMed 8370579 (cited by Dunham Lab, University of Washington); PubMed 33636823 (cited by Dunham Lab, University of Washington); PubMed 7803800 (cited by Dunham Lab, University of Washington); PubMed 12064920 (cited by Dunham Lab, University of Washington); PubMed 6433630 (cited by Dunham Lab, University of Washington and OMIM); PubMed 8956035 (cited by Dunham Lab, University of Washington); PubMed 9250351 (cited by Dunham Lab, University of Washington); PubMed 7959686 (cited by Dunham Lab, University of Washington); PubMed 22906837 (cited by Dunham Lab, University of Washington); PubMed 12367584 (cited by Dunham Lab, University of Washington); PubMed 9233561 (cited by Dunham Lab, University of Washington); PubMed 22963789 (cited by Dunham Lab, University of Washington); PubMed 1978554 (cited by OMIM).

NM_001042351.1(G6PD):c.[376A>G;542A>T]

Variant type: Haplotype.
Identifiers: ClinVar variation 10382 (VCV000010382.5).